The following is an entry in ClinVar:

ClinVar aggregate classification (germline): Likely pathogenic (1 of 4 stars; one submission).

Conditions:
Ellis-van Creveld syndrome (EVC). Also called: EVC-Related Ellis-van Creveld Syndrome; EVC2-Related Ellis-van Creveld Syndrome; MESOECTODERMAL DYSPLASIA; Chondroectodermal dysplasia. Identifiers: Orphanet 289, MedGen C0013903, MONDO:0009162, OMIM 225500.

Submission:

Myriad Genetics, Inc.
Classification: Likely pathogenic for Ellis-van Creveld syndrome. Last evaluated: 2021-12-26. Review status: criteria provided, single submitter. Criteria: Myriad Women's Health Autosomal Recessive and X-Linked Classification Criteria (2021). Collection method: clinical testing. Allele origin: unknown.
Comment: NM_153717.2(EVC):c.60_61ins13(L21Tfs*56) is expected to be pathogenic in the context of EVC-related Ellis-van Creveld syndrome. This variant is predicted to lead to an abnormal or absent protein product due to the creation of a premature termination codon in EVC, a gene where loss-of-function variants are known to be pathogenic. Please note: this variant was assessed in the context of healthy population screening.

NM_153717.3(EVC):c.60_61insACTGTCTCTTATA (p.Leu21fs)

Gene: EVC (EvC ciliary complex subunit 1; plus strand). Cytogenetic location: 4p16.2.
Variant type: Insertion.
Coding change: c.60_61insACTGTCTCTTATA on transcript NM_153717.3 (MANE Select); coding-DNA positions 60 to 61, ACTGTCTCTTATA inserted.
Protein change: p.Leu21fs; shifts the reading frame from leucine 21.
Molecular consequence: frameshift variant.
Genome position: GRCh38 VCF-style: chr4-5711440-G-GACTGTCTCTTATA. GRCh37 (hg19) VCF-style: chr4-5713167-G-GACTGTCTCTTATA.
Other names: c.60_61insACTGTCTCTTATA, p.Leu21fs (NM_001306090.2, NM_001306092.2); short protein forms L21fs.
Identifiers: ClinVar variation 1726583 (VCV001726583.2), dbSNP rs2474193910, ClinGen allele CA2580070807.
Genomic context (GRCh38, chr4:5,711,440, plus strand): 5'-GATGGCCCGCGGCGGGGCGGCCTGCAAGAGCGACGCGCGGCTGCTGCTGGGGCGGGACGC[G>GACTGTCTCTTATA]CTGCGGCCGGCGCCCGCCCTGCTGGCCCCCGCCGTGCTGCTGGGCGCCGCGCTCGGCCTC-3'